The following is an entry in ClinVar:

NM_003803.4(MYOM1):c.2413C>A (p.Gln805Lys)

Gene: MYOM1 (myomesin 1; minus strand). Cytogenetic location: 18p11.31.
Variant type: single nucleotide variant.
Coding change: c.2413C>A on transcript NM_003803.4 (MANE Select); coding-DNA position 2413, C replaced by A.
Protein change: p.Gln805Lys; replaces glutamine 805 with lysine.
Molecular consequence: missense variant.
Genome position (GRCh38, 1-based): chr18:3,131,468, G>T on the plus strand (C>A on the coding strand, the complement: MYOM1 is on the minus strand). VCF-style: chr18-3131468-G-T. GRCh37 (hg19) VCF-style: chr18-3131466-G-T.
Other names: c.2413C>A, p.Gln805Lys (NM_019856.2); short protein forms Q805K.
Identifiers: ClinVar variation 2625115 (VCV002625115.3), dbSNP rs749913396, ClinGen allele CA8874637.

ClinVar aggregate classification (germline): Uncertain significance. Review status: criteria provided, multiple submitters, no conflicts (2 of 4 stars). 2 submissions from 2 submitters: Uncertain significance (2). Last evaluated 2025-04-08.

Conditions:
Hypertrophic cardiomyopathy. Also called: HYPERTROPHIC MYOCARDIOPATHY. Identifiers: Orphanet 217569, MedGen C0007194, MeSH D002312, MONDO:0005045, HP:0001639.

Allele frequency attached by ClinVar (database versions not stated): TOPMed below 0.00001; ExAC 0.00002.
gnomAD v4.1: 2 of 1,613,258 alleles (0.00012%); highest among the groups gnomAD compares: Admixed American, 0.0033%; no homozygotes.

Submissions (2):

Labcorp Genetics (formerly Invitae), Labcorp
Classification: Uncertain significance for Hypertrophic cardiomyopathy. Last evaluated: 2025-04-08. Review status: criteria provided, single submitter. Criteria: Invitae Variant Classification Sherloc (09022015). Collection method: clinical testing. Allele origin: germline.
Comment: This sequence change replaces glutamine, which is neutral and polar, with lysine, which is basic and polar, at codon 805 of the MYOM1 protein (p.Gln805Lys). This variant is present in population databases (rs749913396, gnomAD 0.006%). This variant has not been reported in the literature in individuals affected with MYOM1-related conditions. ClinVar contains an entry for this variant (Variation ID: 2625115). Invitae Evidence Modeling of protein sequence and biophysical properties (such as structural, functional, and spatial information, amino acid conservation, physicochemical variation, residue mobility, and thermodynamic stability) indicates that this missense variant is not expected to disrupt MYOM1 protein function with a negative predictive value of 80%. In summary, the available evidence is currently insufficient to determine the role of this variant in disease. Therefore, it has been classified as a Variant of Uncertain Significance.

Ambry Genetics
Classification: Uncertain significance. Last evaluated: 2023-07-18. Review status: criteria provided, single submitter. Criteria: Ambry Variant Classification Scheme 2023. Collection method: clinical testing. Allele origin: germline.
Comment: The p.Q805K variant (also known as c.2413C>A), located in coding exon 16 of the MYOM1 gene, results from a C to A substitution at nucleotide position 2413. The glutamine at codon 805 is replaced by lysine, an amino acid with similar properties. This amino acid position is conserved. In addition, this alteration is predicted to be tolerated by in silico analysis. Since supporting evidence is limited at this time, the clinical significance of this alteration remains unclear.